The following is an entry in ClinVar:

ClinVar aggregate classification (germline): Uncertain significance. Review status: criteria provided, multiple submitters, no conflicts (2 of 4 stars). 5 submissions from 5 submitters: Uncertain significance (5). Last evaluated 2026-01-19.

Conditions:
Cardiomyopathy (CMYO). Also called: Cardiomyopathies. Identifiers: Orphanet 167848, MedGen C0878544, MONDO:0004994, HP:0001638. Inheritance: Various modes of inheritance.
Hypertrophic cardiomyopathy. Also called: HYPERTROPHIC MYOCARDIOPATHY. Identifiers: Orphanet 217569, MedGen C0007194, MeSH D002312, MONDO:0005045, HP:0001639.

Allele frequency attached by ClinVar (database versions not stated): TOPMed 0.00002.
gnomAD v4.1: 4 of 1,614,198 alleles (0.00025%); highest among the groups gnomAD compares: Non-Finnish European, 0.00034%; no homozygotes.

Submissions (5):

Labcorp Genetics (formerly Invitae), Labcorp
Classification: Uncertain significance for Hypertrophic cardiomyopathy. Last evaluated: 2026-01-19. Review status: criteria provided, single submitter. Criteria: Invitae Variant Classification Sherloc (09022015). Collection method: clinical testing. Allele origin: germline.
Comment: This sequence change replaces glycine, which is neutral and non-polar, with alanine, which is neutral and non-polar, at codon 56 of the MYH7 protein (p.Gly56Ala). This variant is not present in population databases (gnomAD no frequency). This missense change has been observed in individual(s) with clinical features of hypertrophic cardiomyopathy and/or left ventricular noncompaction (PMID: 33500567, 37652022; internal data). ClinVar contains an entry for this variant (Variation ID: 179443). Invitae Evidence Modeling of protein sequence and biophysical properties (such as structural, functional, and spatial information, amino acid conservation, physicochemical variation, residue mobility, and thermodynamic stability) indicates that this missense variant is expected to disrupt MYH7 protein function with a positive predictive value of 95%. In summary, the available evidence is currently insufficient to determine the role of this variant in disease. Therefore, it has been classified as a Variant of Uncertain Significance.

GeneDx
Classification: Uncertain significance. Last evaluated: 2025-02-12. Review status: criteria provided, single submitter. Criteria: GeneDx Variant Classification Process June 2021. Collection method: clinical testing. Allele origin: germline. Affected: yes.
Comment: Identified in a patient with HCM and a patient with LVNC in published literature (PMID: 33500567, 37652022); Not observed at significant frequency in large population cohorts (gnomAD); In silico analysis supports that this missense variant has a deleterious effect on protein structure/function; This variant is associated with the following publications: (PMID: 37652022, 33500567, 34542152)

Color Diagnostics, LLC DBA Color Health
Classification: Uncertain significance for Cardiomyopathy. Last evaluated: 2024-11-13. Review status: criteria provided, single submitter. Criteria: ACMG Guidelines, 2015. Collection method: clinical testing. Allele origin: germline.
Comment: This missense variant replaces glycine with alanine at codon 56 of the MYH7 protein. Computational prediction tool is inconclusive regarding the impact of this variant on protein structure and function. To our knowledge, functional studies have not been reported for this variant. This variant has been reported in an individual affected with left ventricular noncompaction (PMID: 33500567). This variant has not been identified in the general population by the Genome Aggregation Database (gnomAD). The available evidence is insufficient to determine the role of this variant in disease conclusively. Therefore, this variant is classified as a Variant of Uncertain Significance.

All of Us Research Program, National Institutes of Health
Classification: Uncertain significance for Cardiomyopathy. Last evaluated: 2023-10-06. Review status: criteria provided, single submitter. Criteria: ACMG Guidelines, 2015. Collection method: clinical testing. Allele origin: germline. Inheritance: Autosomal dominant inheritance. Observed: 2 variant alleles, 2 heterozygotes.
Comment: This missense variant replaces glycine with alanine at codon 56 of the MYH7 protein. Computational prediction is inconclusive regarding the impact of this variant on protein structure and function (internally defined REVEL score threshold 0.5 < inconclusive < 0.7, PMID: 27666373). To our knowledge, functional studies have not been reported for this variant. This variant has not been reported in individuals affected with MYH7-related disorders in the literature. This variant has not been identified in the general population by the Genome Aggregation Database (gnomAD). The available evidence is insufficient to determine the role of this variant in disease conclusively. Therefore, this variant is classified as a Variant of Uncertain Significance.

This study involves interpretation of variants in research participants for the purpose of population health screening. Participant phenotype was not available at the time of variant classification. Additional details can be found in publication PMID: 35346344, PMCID: PMC8962531

Laboratory for Molecular Medicine, Mass General Brigham Personalized Medicine
Classification: Uncertain significance. Last evaluated: 2013-11-26. Review status: criteria provided, single submitter. Criteria: LMM Criteria. Collection method: clinical testing. Allele origin: germline. Observed: 1 variant allele.
Comment: The Gly56Ala variant in MYH7 has not been previously reported in individuals wit h cardiomyopathy or in large population studies. This variant was predicted to b e pathogenic using a computational tool clinically validated by our laboratory. This tool's pathogenic prediction is estimated to be correct 94% of the time (Jo rdan 2011). Although glycine (Gly) at position 56 is fairly well conserved in m ammals and evolutionarily distant species, the mallard duck carries an alanine ( Ala) at this position, raising the possibility that this change may be tolerated . Additional information is needed to fully assess the clinical significance of the Gly56Ala variant.

Literature cited by the submitters: PubMed 33500567 (cited by Labcorp Genetics (formerly Invitae), Labcorp and Color Diagnostics, LLC DBA Color Health); PubMed 37652022 (cited by Labcorp Genetics (formerly Invitae), Labcorp).

NM_000257.4(MYH7):c.167G>C (p.Gly56Ala)

Gene: MYH7 (myosin heavy chain 7; minus strand). Cytogenetic location: 14q11.2.
Variant type: single nucleotide variant.
Coding change: c.167G>C on transcript NM_000257.4 (MANE Select); coding-DNA position 167, G replaced by C.
Protein change: p.Gly56Ala; replaces glycine 56 with alanine.
Molecular consequence: missense variant.
Genome position (GRCh38, 1-based): chr14:23,433,566, C>G on the plus strand (G>C on the coding strand, the complement: MYH7 is on the minus strand). VCF-style: chr14-23433566-C-G. GRCh37 (hg19) VCF-style: chr14-23902775-C-G.
Other names: short protein forms G56A.
Identifiers: ClinVar variation 179443 (VCV000179443.14), dbSNP rs727504870, ClinGen allele CA011120.